The following is an entry in ClinVar:

NM_016333.4(SRRM2):c.2988C>T (p.Tyr996=)

Gene: SRRM2 (serine/arginine repetitive matrix 2; plus strand). Cytogenetic location: 16p13.3.
Variant type: single nucleotide variant.
Coding change: c.2988C>T on transcript NM_016333.4 (MANE Select); coding-DNA position 2988, C replaced by T.
Protein change: p.Tyr996=; no amino-acid change (tyrosine 996 retained).
Molecular consequence: synonymous variant.
Genome position (GRCh38, 1-based): chr16:2,763,516, C>T. VCF-style: chr16-2763516-C-T. GRCh37 (hg19) VCF-style: chr16-2813517-C-T.
Identifiers: ClinVar variation 719776 (VCV000719776.27), dbSNP rs140191989, ClinGen allele CA7847778.

ClinVar aggregate classification (germline): Benign. Review status: criteria provided, multiple submitters, no conflicts (2 of 4 stars). 3 submissions from 3 submitters: Benign (3). Last evaluated 2026-09-01.

Allele frequency attached by ClinVar (database versions not stated): gnomAD exomes 0.00775 and 0.00924; TOPMed 0.00837; ESP Exome Variant Server 0.00846; 1000 Genomes Project 30x 0.00515; 1000 Genomes Project 0.00519; ExAC 0.00758; gnomAD 0.00770 and 0.00772.
gnomAD v4.1: 14,742 of 1,614,158 alleles (0.91%); highest among the groups gnomAD compares: Middle Eastern, 2.4%; 98 homozygotes.

Submissions (3):

CeGaT Center for Human Genetics Tuebingen
Classification: Benign. Last evaluated: 2026-09-01. Review status: criteria provided, single submitter. Criteria: CeGaT Center For Human Genetics Tuebingen Variant Classification Criteria Version 2. Collection method: clinical testing. Allele origin: germline. Affected: yes. Observed: 14 variant alleles.
Comment: SRRM2: BP4, BP7, BS1, BS2

Labcorp Genetics (formerly Invitae), Labcorp
Classification: Benign. Last evaluated: 2019-12-31. Review status: criteria provided, single submitter. Criteria: Invitae Variant Classification Sherloc (09022015). Collection method: clinical testing. Allele origin: germline.

Breakthrough Genomics
Classification: Benign. Review status: criteria provided, single submitter. Criteria: ACMG Guidelines, 2015. Collection method: not provided. Allele origin: germline. Inheritance: Unknown mechanism. Affected: yes.